The following is an entry in ClinVar:

ClinVar aggregate classification (germline): Likely benign. Review status: criteria provided, multiple submitters, no conflicts (2 of 4 stars). 3 submissions from 3 submitters: Likely benign (3). Last evaluated 2025-11-12.

Conditions:
Dilated cardiomyopathy 1JJ (CMD1JJ). Identifiers: Orphanet 154, MedGen C3808935, MONDO:0014095, OMIM 615235.
Cardiovascular phenotype. Identifiers: MedGen CN230736.

Allele frequency attached by ClinVar (database versions not stated): gnomAD 0.00006 and 0.00010; TOPMed 0.00009; gnomAD exomes 0.00011; ExAC 0.00015; 1000 Genomes Project 30x 0.00016; 1000 Genomes Project 0.00020.
gnomAD v4.1: 138 of 1,594,150 alleles (0.0087%); highest among the groups gnomAD compares: East Asian, 0.11%; no homozygotes.

Submissions (3):

Labcorp Genetics (formerly Invitae), Labcorp
Classification: Likely benign for Dilated cardiomyopathy 1JJ. Last evaluated: 2025-11-12. Review status: criteria provided, single submitter. Criteria: Invitae Variant Classification Sherloc (09022015). Collection method: clinical testing. Allele origin: germline.

Ambry Genetics
Classification: Likely benign for Cardiovascular phenotype. Last evaluated: 2021-09-09. Review status: criteria provided, single submitter. Criteria: Ambry Variant Classification Scheme 2023. Collection method: clinical testing. Allele origin: germline.

GeneDx
Classification: Likely benign. Last evaluated: 2017-12-06. Review status: criteria provided, single submitter. Criteria: GeneDx Variant Classification (06012015). Collection method: clinical testing. Allele origin: germline. Affected: yes.
Comment: This variant is considered likely benign or benign based on one or more of the following criteria: it is a conservative change, it occurs at a poorly conserved position in the protein, it is predicted to be benign by multiple in silico algorithms, and/or has population frequency not consistent with disease.

NM_001105206.3(LAMA4):c.122C>T (p.Ala41Val)

Genes: LAMA4 (laminin subunit alpha 4; minus strand), LAMA4-AS1 (LAMA4 antisense RNA 1; plus strand). Cytogenetic location: 6q21.
Variant type: single nucleotide variant.
Coding change: c.122C>T on transcript NM_001105206.3 (MANE Select); coding-DNA position 122, C replaced by T.
Protein change: p.Ala41Val; replaces alanine 41 with valine.
Molecular consequence: missense variant.
Genome position (GRCh38, 1-based): chr6:112,254,029, G>A on the plus strand (C>T on the coding strand, the complement: LAMA4 is on the minus strand). VCF-style: chr6-112254029-G-A. GRCh37 (hg19) VCF-style: chr6-112575231-G-A.
Other names: c.122C>T, p.Ala41Val (NM_001105207.3, NM_001105208.3, NM_001105209.3 and 1 more transcripts); short protein forms A41V.
Identifiers: ClinVar variation 513916 (VCV000513916.13), dbSNP rs553474007, ClinGen allele CA3966333.